The following is an entry in ClinVar:

ClinVar aggregate classification (germline): Uncertain significance (1 of 4 stars; one submission).

Submission:

CeGaT Center for Human Genetics Tuebingen
Classification: Uncertain significance. Last evaluated: 2023-02-01. Review status: criteria provided, single submitter. Criteria: CeGaT Center For Human Genetics Tuebingen Variant Classification Criteria Version 2. Collection method: clinical testing. Allele origin: germline. Affected: yes. Observed: 1 variant allele.
Comment: RAD21L1: PM2, BP4

NM_001384355.1(RAD21L1):c.1095del (p.Lys365fs)

Gene: RAD21L1 (RAD21 cohesin complex component like 1; plus strand). Cytogenetic location: 20p13.
Variant type: Deletion.
Coding change: c.1095del on transcript NM_001384355.1 (MANE Select); coding-DNA position 1095, one base deleted (A; older notation c.1095delA).
Protein change: p.Lys365fs; shifts the reading frame from lysine 365.
Molecular consequence: frameshift variant.
Genome position (GRCh38, 1-based): chr20:1,243,108, A deleted; the last of 4 consecutive A bases (chr20:1,243,105-1,243,108); deleting any one gives the same sequence. VCF-style (leftmost placement, unchanged base first): chr20-1243104-CA-C. GRCh37 (hg19) VCF-style: chr20-1223748-CA-C.
Other names: c.1095del, p.Lys365fs (NM_001136566.3); c.618del, p.Lys206fs (NM_001384356.1); c.456del, p.Lys152fs (NM_001384357.1, NM_001384358.1); short protein forms K152fs, K206fs, K365fs.
Identifiers: ClinVar variation 2498875 (VCV002498875.28), dbSNP rs2514531736, ClinGen allele CA2577316399.
Genomic context (GRCh38, chr20:1,243,104, plus strand): 5'-GAATTGCTTTGCTGGTACAAAAACAAAAAAAACAAAAATGTGTATTTTTACAGTTGTTTA[CA>C]AAATGCTTTCTGTCCTCTGGCTTTAAACTTGGAAGAAAAATGATACAGAAGGAGTCAGTA-3'